The following is an entry in ClinVar:

ClinVar aggregate classification (germline): Uncertain significance (1 of 4 stars; one submission).

Submission:

Labcorp Genetics (formerly Invitae), Labcorp
Classification: Uncertain significance. Last evaluated: 2023-03-18. Review status: criteria provided, single submitter. Criteria: Invitae Variant Classification Sherloc (09022015). Collection method: clinical testing. Allele origin: germline.
Comment: This sequence change falls in intron 99 of the COL7A1 gene. It does not directly change the encoded amino acid sequence of the COL7A1 protein. This variant is not present in population databases (gnomAD no frequency). This variant has not been reported in the literature in individuals affected with COL7A1-related conditions. Algorithms developed to predict the effect of sequence changes on RNA splicing suggest that this variant may disrupt the consensus splice site. In summary, the available evidence is currently insufficient to determine the role of this variant in disease. Therefore, it has been classified as a Variant of Uncertain Significance.

NM_000094.4(COL7A1):c.7522-7C>A

Gene: COL7A1 (collagen type VII alpha 1 chain; minus strand). Cytogenetic location: 3p21.31.
Variant type: single nucleotide variant.
Coding change: c.7522-7C>A on transcript NM_000094.4 (MANE Select); 7 bases into the intron before coding-DNA position 7522, C replaced by A.
Molecular consequence: intron variant.
Genome position (GRCh38, 1-based): chr3:48,569,767, G>T on the plus strand (C>A on the coding strand, the complement: COL7A1 is on the minus strand). VCF-style: chr3-48569767-G-T. GRCh37 (hg19) VCF-style: chr3-48607200-G-T.
Identifiers: ClinVar variation 2844997 (VCV002844997.3), dbSNP rs2530849421, ClinGen allele CA2739278439.